The following is an entry in ClinVar:

NM_207037.2(TCF12):c.1364A>T (p.Asp455Val)

Gene: TCF12 (transcription factor 12; plus strand). Cytogenetic location: 15q21.3.
Variant type: single nucleotide variant.
Coding change: c.1364A>T on transcript NM_207037.2 (MANE Select); coding-DNA position 1364, A replaced by T.
Protein change: p.Asp455Val; replaces aspartic acid 455 with valine.
Molecular consequence: missense variant.
Genome position (GRCh38, 1-based): chr15:57,253,365, A>T. VCF-style: chr15-57253365-A-T. GRCh37 (hg19) VCF-style: chr15-57545563-A-T.
Other names: c.1364A>T, p.Asp455Val (NM_001322159.3, NM_001322162.2, NM_207036.2 and 2 more transcripts); c.1361A>T, p.Asp454Val (NM_001322161.2); c.1328A>T, p.Asp443Val (NM_001322164.2); c.1292A>T, p.Asp431Val (NM_001322165.2, NM_003205.4, NM_207038.2 and 1 more transcripts); c.782A>T, p.Asp261Val (NM_207040.2); c.854A>T, p.Asp285Val (NM_001306219.3); c.584A>T, p.Asp195Val (NM_001306220.3); c.707A>T, p.Asp236Val (NM_001322154.2); and 2 more; short protein forms D195V, D236V, D261V, D285V, D373V, D397V, D431V, D443V.
Identifiers: ClinVar variation 3908053 (VCV003908053.2).

ClinVar aggregate classification (germline): Uncertain significance (1 of 4 stars; one submission).

Submission:

GeneDx
Classification: Uncertain significance. Last evaluated: 2026-03-27. Review status: criteria provided, single submitter. Criteria: GeneDx Variant Classification Process June 2021. Collection method: clinical testing. Allele origin: germline.
Comment: Not observed at significant frequency in large population cohorts (gnomAD); In silico analysis supports that this missense variant has a deleterious effect on protein structure/function; Has not been previously published as pathogenic or benign to our knowledge